The following is an entry in ClinVar:

NM_001563.4(IMPG1):c.360_361del (p.Glu122fs)

Gene: IMPG1 (interphotoreceptor matrix proteoglycan 1; minus strand). Cytogenetic location: 6q14.1.
Variant type: Deletion.
Coding change: c.360_361del on transcript NM_001563.4 (MANE Select); coding-DNA positions 360 to 361, 2 bases deleted (AG; older notation c.360_361delAG).
Protein change: p.Glu122fs; shifts the reading frame from glutamic acid 122.
Molecular consequence: frameshift variant.
Genome position (GRCh38, 1-based): chr6:76,034,728-76,034,729, CT deleted on the plus strand (AG on the coding strand, the reverse complement: IMPG1 is on the minus strand). VCF-style (leftmost placement, unchanged base first): chr6-76034727-CCT-C. GRCh37 (hg19) VCF-style: chr6-76744444-CCT-C.
Other names: c.126_127del, p.Glu44fs (NM_001282368.2); short protein forms E44fs, E122fs.
Identifiers: ClinVar variation 1950429 (VCV001950429.6), dbSNP rs768262862, ClinGen allele CA3898556.

ClinVar aggregate classification (germline): Pathogenic/Likely pathogenic. Review status: criteria provided, multiple submitters, no conflicts (2 of 4 stars). 2 submissions from 2 submitters: Pathogenic (1); Likely pathogenic (1). Last evaluated 2023-08-10.

Conditions:
IMPG1-related disorder. Also called: IMPG1-related condition.

Allele frequency attached by ClinVar (database versions not stated): gnomAD exomes below 0.00001; ExAC 0.00002.

Submissions (2):

Labcorp Genetics (formerly Invitae), Labcorp
Classification: Pathogenic. Last evaluated: 2023-08-10. Review status: criteria provided, single submitter. Criteria: Invitae Variant Classification Sherloc (09022015). Collection method: clinical testing. Allele origin: germline.
Comment: This sequence change creates a premature translational stop signal (p.Glu122Ilefs*17) in the IMPG1 gene. It is expected to result in an absent or disrupted protein product. Loss-of-function variants in IMPG1 are known to be pathogenic (PMID: 23993198). This variant is present in population databases (rs768262862, gnomAD 0.003%). This variant has not been reported in the literature in individuals affected with IMPG1-related conditions. ClinVar contains an entry for this variant (Variation ID: 1950429). For these reasons, this variant has been classified as Pathogenic.

Blueprint Genetics
Classification: Likely pathogenic for IMPG1-related disorders. Last evaluated: 2022-03-01. Review status: criteria provided, single submitter. Criteria: ACMG Guidelines, 2015. Collection method: clinical testing. Allele origin: germline. Affected: yes. Observed: 2 variant alleles.

Literature cited by the submitters: PubMed 23993198 (cited by Labcorp Genetics (formerly Invitae), Labcorp).